The following is an entry in ClinVar:

NM_016122.3(CEP83):c.749G>T (p.Arg250Ile)

Gene: CEP83 (centrosomal protein 83; minus strand). Cytogenetic location: 12q22.
Variant type: single nucleotide variant.
Coding change: c.749G>T on transcript NM_016122.3 (MANE Select); coding-DNA position 749, G replaced by T.
Protein change: p.Arg250Ile; replaces arginine 250 with isoleucine.
Molecular consequence: missense variant. On other transcripts: non-coding transcript variant (3).
Genome position (GRCh38, 1-based): chr12:94,378,843, C>A on the plus strand (G>T on the coding strand, the complement: CEP83 is on the minus strand). VCF-style: chr12-94378843-C-A. GRCh37 (hg19) VCF-style: chr12-94772619-C-A.
Other names: c.749G>T, p.Arg250Ile (NM_001042399.2, NM_001346457.2, NM_001346460.2 and 3 more transcripts); c.437G>T, p.Arg146Ile (NM_001346458.2, NM_001346459.2, NM_001346462.2 and 2 more transcripts); c.524G>T, p.Arg175Ile (NM_001368041.1); c.212G>T, p.Arg71Ile (NM_001368042.1); short protein forms R146I, R175I, R71I, R250I.
Identifiers: ClinVar variation 1371881 (VCV001371881.6), dbSNP rs745525513, ClinGen allele CA6721855.
Genomic context (GRCh38, chr12:94,378,843, plus strand): 5'-AATCTTACCTCCAGGGATCTGACTGTAGCCTGCATCTCAGCCAACTGCCGCACCTGTATT[C>A]TTTGGGCATTTTCCACCTGAGCCTCAGAATTCTCCTTTTCAGCCTTTAATTCCGCTACTT-3'
Protein context (NP_057206.2, residues 240-260): NSEAQVENAQ[Arg250Ile]IQVRQLAEMQ

ClinVar aggregate classification (germline): Uncertain significance (1 of 4 stars; one submission).

Conditions:
Nephronophthisis 18 (NPHP18). Identifiers: Orphanet 655, MedGen C3890591, MONDO:0014374, OMIM 615862.

Allele frequency attached by ClinVar (database versions not stated): TOPMed below 0.00001; ExAC 0.00001; gnomAD exomes 0.00001 and 0.00002.
gnomAD v4.1: 8 of 1,614,078 alleles (0.0005%); highest among the groups gnomAD compares: Admixed American, 0.012%; no homozygotes.

Submission:

Labcorp Genetics (formerly Invitae), Labcorp
Classification: Uncertain significance for Nephronophthisis 18. Last evaluated: 2021-07-25. Review status: criteria provided, single submitter. Criteria: Invitae Variant Classification Sherloc (09022015). Collection method: clinical testing. Allele origin: germline.
Comment: This sequence change replaces arginine with isoleucine at codon 250 of the CEP83 protein (p.Arg250Ile). The arginine residue is highly conserved and there is a moderate physicochemical difference between arginine and isoleucine. This variant is present in population databases (rs745525513, ExAC 0.009%). This variant has not been reported in the literature in individuals affected with CEP83-related conditions. Algorithms developed to predict the effect of missense changes on protein structure and function are either unavailable or do not agree on the potential impact of this missense change (SIFT: "Not Available"; PolyPhen-2: "Probably Damaging"; Align-GVGD: "Not Available"). In summary, the available evidence is currently insufficient to determine the role of this variant in disease. Therefore, it has been classified as a Variant of Uncertain Significance.